The following is an entry in ClinVar:

NM_005477.3(HCN4):c.3001C>A (p.Pro1001Thr)

Gene: HCN4 (hyperpolarization activated cyclic nucleotide gated potassium channel 4; minus strand). Cytogenetic location: 15q24.1.
Variant type: single nucleotide variant.
Coding change: c.3001C>A on transcript NM_005477.3 (MANE Select); coding-DNA position 3001, C replaced by A.
Protein change: p.Pro1001Thr; replaces proline 1001 with threonine.
Molecular consequence: missense variant.
Genome position (GRCh38, 1-based): chr15:73,323,092, G>T on the plus strand (C>A on the coding strand, the complement: HCN4 is on the minus strand). VCF-style: chr15-73323092-G-T. GRCh37 (hg19) VCF-style: chr15-73615433-G-T.
Other names: short protein forms P1001T.
Identifiers: ClinVar variation 1798702 (VCV001798702.2), dbSNP rs2549068359, ClinGen allele CA393086492.
Genomic context (GRCh38, chr15:73,323,092, plus strand): 5'-GAGTAAAGCCTACAGGGGAAGCCCCCCCAGAGGCCCCTGCCACAAGGGACGGCGGCTCAG[G>T]CTGCCGTGGGGGTGTCTCTGGCGTGCTCAGTGGGCCAGTGGCCAGACCTAGGGACAACTC-3'
Protein context (NP_005468.1, residues 991-1011): LSTPETPPRQ[Pro1001Thr]EPPSLVAGAS

ClinVar aggregate classification (germline): Uncertain significance (1 of 4 stars; one submission).

Conditions:
Cardiovascular phenotype. Identifiers: MedGen CN230736.

Submission:

Ambry Genetics
Classification: Uncertain significance for Cardiovascular phenotype. Last evaluated: 2021-04-08. Review status: criteria provided, single submitter. Criteria: Ambry Variant Classification Scheme 2023. Collection method: clinical testing. Allele origin: germline.
Comment: The p.P1001T variant (also known as c.3001C>A), located in coding exon 8 of the HCN4 gene, results from a C to A substitution at nucleotide position 3001. The proline at codon 1001 is replaced by threonine, an amino acid with highly similar properties. This amino acid position is not well conserved in available vertebrate species. In addition, the in silico prediction for this alteration is inconclusive. Since supporting evidence is limited at this time, the clinical significance of this alteration remains unclear.